The following is an entry in ClinVar:

NM_002691.4(POLD1):c.3102T>G (p.Ser1034=)

Gene: POLD1 (DNA polymerase delta 1, catalytic subunit; plus strand). Cytogenetic location: 19q13.33.
Variant type: single nucleotide variant.
Coding change: c.3102T>G on transcript NM_002691.4 (MANE Select); coding-DNA position 3102, T replaced by G.
Protein change: p.Ser1034=; no amino-acid change (serine 1034 retained).
Molecular consequence: synonymous variant. On other transcripts: non-coding transcript variant (1).
Genome position (GRCh38, 1-based): chr19:50,417,079, T>G. VCF-style: chr19-50417079-T-G. GRCh37 (hg19) VCF-style: chr19-50920336-T-G.
Other names: c.3102T>G, p.Ser1034= (NM_001256849.1); c.3180T>G, p.Ser1060= (NM_001308632.1).
Identifiers: ClinVar variation 3025617 (VCV003025617.22), dbSNP rs1224283077, ClinGen allele CA508186506.

ClinVar aggregate classification (germline): Likely benign (1 of 4 stars; one submission).

Submission:

CeGaT Center for Human Genetics Tuebingen
Classification: Likely benign. Last evaluated: 2024-02-01. Review status: criteria provided, single submitter. Criteria: CeGaT Center For Human Genetics Tuebingen Variant Classification Criteria Version 2. Collection method: clinical testing. Allele origin: germline. Affected: yes. Observed: 1 variant allele.
Comment: POLD1: PM2:Supporting, BP4, BP7